The following is an entry in ClinVar:

ClinVar aggregate classification (germline): Uncertain significance (1 of 4 stars; one submission).

Conditions:
Predisposition to invasive fungal disease due to CARD9 deficiency (IMD103). Also called: IMMUNODEFICIENCY 103, SUSCEPTIBILITY TO FUNGAL INFECTIONS; CARD9 IMMUNODEFICIENCY; Candidiasis, familial, 2, autosomal recessive. Identifiers: Orphanet 457088, MedGen C1859353, MONDO:0008905, OMIM 212050.

Allele frequency attached by ClinVar (database versions not stated): gnomAD 0.00001; gnomAD exomes 0.00001.

Submission:

Labcorp Genetics (formerly Invitae), Labcorp
Classification: Uncertain significance for Predisposition to invasive fungal disease due to CARD9 deficiency. Last evaluated: 2022-05-21. Review status: criteria provided, single submitter. Criteria: Invitae Variant Classification Sherloc (09022015). Collection method: clinical testing. Allele origin: germline.
Comment: In summary, the available evidence is currently insufficient to determine the role of this variant in disease. Therefore, it has been classified as a Variant of Uncertain Significance. Algorithms developed to predict the effect of missense changes on protein structure and function (SIFT, PolyPhen-2, Align-GVGD) all suggest that this variant is likely to be tolerated. This variant has not been reported in the literature in individuals affected with CARD9-related conditions. This variant is not present in population databases (gnomAD no frequency). This sequence change replaces alanine, which is neutral and non-polar, with glutamic acid, which is acidic and polar, at codon 480 of the CARD9 protein (p.Ala480Glu).

NM_052813.5(CARD9):c.1439C>A (p.Ala480Glu)

Gene: CARD9 (caspase recruitment domain family member 9; minus strand). Cytogenetic location: 9q34.3.
Variant type: single nucleotide variant.
Coding change: c.1439C>A on transcript NM_052813.5 (MANE Select); coding-DNA position 1439, C replaced by A.
Protein change: p.Ala480Glu; replaces alanine 480 with glutamic acid.
Molecular consequence: missense variant.
Genome position (GRCh38, 1-based): chr9:136,364,555, G>T on the plus strand (C>A on the coding strand, the complement: CARD9 is on the minus strand). VCF-style: chr9-136364555-G-T. GRCh37 (hg19) VCF-style: chr9-139259007-G-T.
Other names: c.1439C>A, p.Ala480Glu (NM_052814.4); short protein forms A480E.
Identifiers: ClinVar variation 1957662 (VCV001957662.4), dbSNP rs930352441, ClinGen allele CA201606430.
Genomic context (GRCh38, chr9:136,364,555, plus strand): 5'-TCAAAACTCTCTTTGAGGCGCCGCCGCTCCTTCTCGGGCGGCTCCCCGCTGCTCAGGCCT[G>T]CGTCCTGGAGAAGGGGGAAGGCTCGGGCTCCGGCCGGCTCCCCTGAGGGAACCCGTCCTT-3'
Protein context (NP_434700.2, residues 470-490): QEQVLRNPHD[Ala480Glu]GLSSGEPPEK